The following is an entry in ClinVar:

NM_000465.4(BARD1):c.128G>T (p.Arg43Leu)

Gene: BARD1 (BRCA1 associated RING domain 1; minus strand). Cytogenetic location: 2q35.
Variant type: single nucleotide variant.
Coding change: c.128G>T on transcript NM_000465.4 (MANE Select); coding-DNA position 128, G replaced by T.
Protein change: p.Arg43Leu; replaces arginine 43 with leucine.
Molecular consequence: missense variant. On other transcripts: non-coding transcript variant (3).
Genome position (GRCh38, 1-based): chr2:214,809,442, C>A on the plus strand (G>T on the coding strand, the complement: BARD1 is on the minus strand). VCF-style: chr2-214809442-C-A. GRCh37 (hg19) VCF-style: chr2-215674166-C-A.
Other names: c.128G>T, p.Arg43Leu (NM_001282543.2, NM_001282545.2, NM_001282548.2 and 1 more transcripts); c.128G>T (NM_000465.2); short protein forms R43L.
Identifiers: ClinVar variation 406785 (VCV000406785.16), dbSNP rs1060501305, ClinGen allele CA16610760.

ClinVar aggregate classification (germline): Uncertain significance. Review status: criteria provided, multiple submitters, no conflicts (2 of 4 stars). 3 submissions from 3 submitters: Uncertain significance (3). Last evaluated 2025-11-11.

Conditions:
Hereditary cancer-predisposing syndrome. Also called: Hereditary Cancer Syndrome; Hereditary neoplastic syndrome; Neoplastic Syndromes, Hereditary; Tumor predisposition. Identifiers: Orphanet 140162, MedGen C0027672, MeSH D009386, MONDO:0015356.
Familial cancer of breast. Also called: BREAST CANCER, FAMILIAL; Hereditary breast cancer; hereditary breast carcinoma. Identifiers: Orphanet 227535, MedGen C0346153, MONDO:0016419, OMIM 114480. Disease mechanism: loss of function.

Allele frequency attached by ClinVar (database versions not stated): gnomAD exomes below 0.00001; TOPMed below 0.00001.
gnomAD v4.1: 3 of 1,611,866 alleles (0.00019%); highest among the groups gnomAD compares: South Asian, 0.0022%; no homozygotes.

Submissions (3):

Ambry Genetics
Classification: Uncertain significance for Hereditary cancer-predisposing syndrome. Last evaluated: 2025-11-11. Review status: criteria provided, single submitter. Criteria: Ambry Variant Classification Scheme 2023. Collection method: clinical testing. Allele origin: germline.
Comment: The p.R43L variant (also known as c.128G>T), located in coding exon 1 of the BARD1 gene, results from a G to T substitution at nucleotide position 128. The arginine at codon 43 is replaced by leucine, an amino acid with dissimilar properties. This amino acid position is well conserved in available vertebrate species. In addition, this alteration is predicted to be tolerated by in silico analysis. Since supporting evidence is limited at this time, the clinical significance of this alteration remains unclear.

Color Diagnostics, LLC DBA Color Health
Classification: Uncertain significance for Hereditary cancer-predisposing syndrome. Last evaluated: 2025-03-04. Review status: criteria provided, single submitter. Criteria: ACMG Guidelines, 2015. Collection method: clinical testing. Allele origin: germline.
Comment: This missense variant replaces arginine with leucine at codon 43 of the BARD1 protein. Computational prediction suggests that this variant may not impact protein structure and function. To our knowledge, functional studies have not been reported for this variant. This variant has not been reported in individuals affected with hereditary cancer in the literature. This variant has been identified in 1/240628 chromosomes in the general population by the Genome Aggregation Database (gnomAD). The available evidence is insufficient to determine the role of this variant in disease conclusively. Therefore, this variant is classified as a Variant of Uncertain Significance.

Labcorp Genetics (formerly Invitae), Labcorp
Classification: Uncertain significance for Familial cancer of breast. Last evaluated: 2024-12-24. Review status: criteria provided, single submitter. Criteria: Invitae Variant Classification Sherloc (09022015). Collection method: clinical testing. Allele origin: germline.
Comment: This sequence change replaces arginine, which is basic and polar, with leucine, which is neutral and non-polar, at codon 43 of the BARD1 protein (p.Arg43Leu). The frequency data for this variant in the population databases is considered unreliable, as metrics indicate poor data quality at this position in the gnomAD database. This variant has not been reported in the literature in individuals affected with BARD1-related conditions. ClinVar contains an entry for this variant (Variation ID: 406785). An algorithm developed to predict the effect of missense changes on protein structure and function (PolyPhen-2) suggests that this variant is likely to be tolerated. In summary, the available evidence is currently insufficient to determine the role of this variant in disease. Therefore, it has been classified as a Variant of Uncertain Significance.